The following is an entry in ClinVar:

NM_001048174.2(MUTYH):c.119T>C (p.Leu40Pro)

Gene: MUTYH (mutY DNA glycosylase; minus strand). Cytogenetic location: 1p34.1.
Variant type: single nucleotide variant.
Coding change: c.119T>C on transcript NM_001048174.2 (MANE Select); coding-DNA position 119, T replaced by C.
Protein change: p.Leu40Pro; replaces leucine 40 with proline.
Molecular consequence: missense variant. On other transcripts: non-coding transcript variant (5), intron variant (5), 5 prime UTR variant (1).
Genome position (GRCh38, 1-based): chr1:45,333,558, A>G on the plus strand (T>C on the coding strand, the complement: MUTYH is on the minus strand). VCF-style: chr1-45333558-A-G. GRCh37 (hg19) VCF-style: chr1-45799230-A-G.
Other names: c.119T>C, p.Leu40Pro (NM_001407089.1, NM_001048171.2, NM_001048173.2 and 6 more transcripts); c.194T>C, p.Leu65Pro (NM_012222.3, NM_001407069.1); c.-92-61T>C (NM_001350651.2, NM_001407082.1); c.-97-61T>C (NM_001293192.2, NM_001293196.2, NM_001407091.1); c.122T>C, p.Leu41Pro (NM_001048172.2, NM_001407071.1, NM_001407078.1 and 2 more transcripts); c.203T>C, p.Leu68Pro (NM_001128425.2); c.164T>C, p.Leu55Pro (NM_001293190.2); c.152T>C, p.Leu51Pro (NM_001293191.2, NM_001407077.1); and 4 more; short protein forms L12P, L51P, L55P, L54P, L65P, L68P, L40P, L41P.
Identifiers: ClinVar variation 3653831 (VCV003653831.3).

ClinVar aggregate classification (germline): Uncertain significance. Review status: criteria provided, multiple submitters, no conflicts (2 of 4 stars). 2 submissions from 2 submitters: Uncertain significance (2). Last evaluated 2025-08-27.

Conditions:
Familial adenomatous polyposis 2. Also called: FAP type 2; COLORECTAL ADENOMATOUS POLYPOSIS, AUTOSOMAL RECESSIVE; ADENOMAS, MULTIPLE COLORECTAL, AUTOSOMAL RECESSIVE; MYH-associated polyposis; Adenomas, multiple colorectal; MUTYH-associated polyposis. Identifiers: Orphanet 220460, Orphanet 247798, MedGen C3272841, MONDO:0012041, OMIM 608456.
Hereditary cancer-predisposing syndrome. Also called: Neoplastic Syndromes, Hereditary; Tumor predisposition; Hereditary Cancer Syndrome; Hereditary neoplastic syndrome. Identifiers: Orphanet 140162, MedGen C0027672, MeSH D009386, MONDO:0015356.

Submissions (2):

Ambry Genetics
Classification: Uncertain significance for Hereditary cancer-predisposing syndrome. Last evaluated: 2025-08-27. Review status: criteria provided, single submitter. Criteria: Ambry Variant Classification Scheme 2023. Collection method: clinical testing. Allele origin: germline.
Comment: The p.L68P variant (also known as c.203T>C), located in coding exon 3 of the MUTYH gene, results from a T to C substitution at nucleotide position 203. The leucine at codon 68 is replaced by proline, an amino acid with similar properties. This amino acid position is conserved. In addition, this alteration is predicted to be tolerated by in silico analysis. Based on the available evidence, the clinical significance of this variant remains unclear.

Labcorp Genetics (formerly Invitae), Labcorp
Classification: Uncertain significance for Familial adenomatous polyposis 2. Last evaluated: 2024-05-19. Review status: criteria provided, single submitter. Criteria: Invitae Variant Classification Sherloc (09022015). Collection method: clinical testing. Allele origin: germline.
Comment: This sequence change replaces leucine, which is neutral and non-polar, with proline, which is neutral and non-polar, at codon 68 of the MUTYH protein (p.Leu68Pro). This variant is not present in population databases (gnomAD no frequency). This variant has not been reported in the literature in individuals affected with MUTYH-related conditions. Algorithms developed to predict the effect of missense changes on protein structure and function output the following: SIFT: "Not Available"; PolyPhen-2: "Benign"; Align-GVGD: "Not Available". The proline amino acid residue is found in multiple mammalian species, which suggests that this missense change does not adversely affect protein function. In summary, the available evidence is currently insufficient to determine the role of this variant in disease. Therefore, it has been classified as a Variant of Uncertain Significance.